The following is an entry in ClinVar:

NM_000548.5(TSC2):c.4773G>C (p.Lys1591Asn)

Gene: TSC2 (TSC complex subunit 2; plus strand). Cytogenetic location: 16p13.3.
Variant type: single nucleotide variant.
Coding change: c.4773G>C on transcript NM_000548.5 (MANE Select); coding-DNA position 4773, G replaced by C.
Protein change: p.Lys1591Asn; replaces lysine 1591 with asparagine.
Molecular consequence: missense variant. On other transcripts: non-coding transcript variant (5).
Genome position (GRCh38, 1-based): chr16:2,086,303, G>C. VCF-style: chr16-2086303-G-C. GRCh37 (hg19) VCF-style: chr16-2136304-G-C.
Other names: c.4572G>C, p.Lys1524Asn (NM_001077183.3); c.4704G>C, p.Lys1568Asn (NM_001114382.3); c.4464G>C, p.Lys1488Asn (NM_001318827.2); c.4428G>C, p.Lys1476Asn (NM_001318829.2); c.4041G>C, p.Lys1347Asn (NM_001318831.2); c.4605G>C, p.Lys1535Asn (NM_001318832.2); c.4575G>C, p.Lys1525Asn (NM_001363528.2); c.4641G>C, p.Lys1547Asn (NM_001370404.1); and 26 more; short protein forms K1077N, K1100N, K1347N, K1488N, K1519N, K1520N, K1547N, K990N.
Identifiers: ClinVar variation 3462620 (VCV003462620.1).

ClinVar aggregate classification (germline): Uncertain significance (1 of 4 stars; one submission).

Conditions:
Hereditary cancer-predisposing syndrome. Also called: Tumor predisposition; Neoplastic Syndromes, Hereditary; Hereditary neoplastic syndrome; Hereditary Cancer Syndrome. Identifiers: Orphanet 140162, MedGen C0027672, MeSH D009386, MONDO:0015356.

gnomAD v4.1: 1 of 1,612,952 alleles (0.000062%); highest among the groups gnomAD compares: Admixed American, 0.0017%; no homozygotes.

Submission:

Ambry Genetics
Classification: Uncertain significance for Hereditary cancer-predisposing syndrome. Last evaluated: 2024-09-09. Review status: criteria provided, single submitter. Criteria: Ambry Variant Classification Scheme 2023. Collection method: clinical testing. Allele origin: germline.
Comment: The p.K1591N variant (also known as c.4773G>C), located in coding exon 36 of the TSC2 gene, results from a G to C substitution at nucleotide position 4773. The lysine at codon 1591 is replaced by asparagine, an amino acid with similar properties. This amino acid position is conserved. In addition, the in silico prediction for this alteration is inconclusive. Based on the available evidence, the clinical significance of this variant remains unclear.